The following is an entry in ClinVar:

ClinVar aggregate classification (germline): Uncertain significance (1 of 4 stars; one submission).

gnomAD v4.1: 4 of 1,612,950 alleles (0.00025%); highest among the groups gnomAD compares: African/African-American, 0.0013%; no homozygotes.

Submission:

Labcorp Genetics (formerly Invitae), Labcorp
Classification: Uncertain significance. Last evaluated: 2024-02-16. Review status: criteria provided, single submitter. Criteria: Invitae Variant Classification Sherloc (09022015). Collection method: clinical testing. Allele origin: germline.
Comment: This sequence change falls in intron 8 of the MFAP5 gene. It does not directly change the encoded amino acid sequence of the MFAP5 protein. It affects a nucleotide within the consensus splice site. This variant is not present in population databases (gnomAD no frequency). This variant has not been reported in the literature in individuals affected with MFAP5-related conditions. Variants that disrupt the consensus splice site are a relatively common cause of aberrant splicing (PMID: 17576681, 9536098). Algorithms developed to predict the effect of sequence changes on RNA splicing suggest that this variant may disrupt the consensus splice site. In summary, the available evidence is currently insufficient to determine the role of this variant in disease. Therefore, it has been classified as a Variant of Uncertain Significance.

Literature cited by the submitters: PubMed 17576681; PubMed 9536098.

NM_003480.4(MFAP5):c.336-3C>G

Gene: MFAP5 (microfibril associated protein 5; minus strand). Cytogenetic location: 12p13.31.
Variant type: single nucleotide variant.
Coding change: c.336-3C>G on transcript NM_003480.4 (MANE Select); 3 bases into the intron before coding-DNA position 336, C replaced by G.
Molecular consequence: intron variant.
Genome position (GRCh38, 1-based): chr12:8,649,577, G>C on the plus strand (C>G on the coding strand, the complement: MFAP5 is on the minus strand). VCF-style: chr12-8649577-G-C. GRCh37 (hg19) VCF-style: chr12-8802173-G-C.
Other names: c.270-3C>G (NM_001297710.2); c.261-3C>G (NM_001297711.2); c.218-1374C>G (NM_001297712.2); c.306-3C>G (NM_001297709.2).
Identifiers: ClinVar variation 3621662 (VCV003621662.2).